The following is an entry in ClinVar:

NM_000297.4(PKD2):c.1039del (p.Val347fs)

Gene: PKD2 (polycystin 2, transient receptor potential cation channel; plus strand). Cytogenetic location: 4q22.1.
Variant type: Deletion.
Coding change: c.1039del on transcript NM_000297.4 (MANE Select); coding-DNA position 1039, one base deleted (G; older notation c.1039delG).
Protein change: p.Val347fs; shifts the reading frame from valine 347.
Molecular consequence: frameshift variant. On other transcripts: non-coding transcript variant (1).
Genome position (GRCh38, 1-based): chr4:88,038,446, G deleted. VCF-style (leftmost placement, unchanged base first): chr4-88038445-TG-T. GRCh37 (hg19) VCF-style: chr4-88959597-TG-T.
Other names: short protein forms V347fs.
Identifiers: ClinVar variation 972868 (VCV000972868.3), dbSNP rs1727423812, ClinGen allele CA1139658173.

ClinVar aggregate classification (germline): Pathogenic. Review status: criteria provided, multiple submitters, no conflicts (2 of 4 stars). 2 submissions from 2 submitters: Pathogenic (2). Last evaluated 2025-03-21.

Conditions:
Polycystic kidney disease 2 (PKD2). Also called: Polycystic Kidney Disease 2, Autosomal Dominant; POLYCYSTIC KIDNEY DISEASE, ADULT, TYPE II; POLYCYSTIC KIDNEY DISEASE 2 WITH OR WITHOUT POLYCYSTIC LIVER DISEASE. Identifiers: MedGen C2751306, MONDO:0013131, OMIM 613095.

Submissions (2):

Victorian Clinical Genetics Services, Murdoch Childrens Research Institute
Classification: Pathogenic for Polycystic kidney disease 2. Last evaluated: 2025-03-21. Review status: criteria provided, single submitter. Criteria: ACMG Guidelines, 2015. Collection method: clinical testing. Allele origin: germline. Affected: yes.
Comment: This variant is classified as Pathogenic. Evidence in support of pathogenic classification: Variant is predicted to cause nonsense-mediated decay (NMD) and loss of protein (premature termination codon is located at least 54 nucleotides upstream of the final exon-exon junction); Variant is absent from gnomAD (v2, v3 and v4); Other NMD-predicted variant(s) comparable to the one identified in this case have very strong previous evidence for pathogenicity (DECIPHER). Additional information: This variant is heterozygous; This gene is associated with autosomal dominant disease; Loss of function is a known mechanism of disease in this gene and is associated with polycystic kidney disease 2 (MIM#613095); Inheritance information for this variant is not currently available in this individual.

Molecular Genetics of Inherited Kidney Disorders Laboratory, Garvan Institute of Medical Research
Classification: Pathogenic. Last evaluated: 2019-01-01. Review status: criteria provided, single submitter. Criteria: ACMG Guidelines, 2015. Collection method: clinical testing. Allele origin: germline. Affected: yes.